The following is an entry in ClinVar:

NM_003872.3(NRP2):c.1467G>A (p.Gln489=)

Gene: NRP2 (neuropilin 2; plus strand). Cytogenetic location: 2q33.3.
Variant type: single nucleotide variant.
Coding change: c.1467G>A on transcript NM_003872.3 (MANE Select); coding-DNA position 1467, G replaced by A.
Protein change: p.Gln489=; no amino-acid change (glutamine 489 retained).
Molecular consequence: synonymous variant.
Genome position (GRCh38, 1-based): chr2:205,743,378, G>A. VCF-style: chr2-205743378-G-A. GRCh37 (hg19) VCF-style: chr2-206608102-G-A.
Other names: c.1467G>A, p.Gln489= (NM_018534.4, NM_201264.2, NM_201266.2 and 2 more transcripts).
Identifiers: ClinVar variation 3031512 (VCV003031512.2), dbSNP rs2057478636, ClinGen allele CA431108489.
Genomic context (GRCh38, chr2:205,743,378, plus strand): 5'-CAGCCGCTCGGGCTGGTTCCCTCGAATCCCTCAGGCCCAGCCCGGTGAGGAGTGGCTTCA[G>A]GTAGATCTGGGAACACCCAAGACAGTGAAAGGTGTCATCATCCAGGGAGCCCGCGGAGGA-3'
Protein context (NP_003863.2, residues 479-499): PQAQPGEEWL[Gln489=]VDLGTPKTVK

ClinVar aggregate classification (germline): Likely benign (0 of 4 stars; one submission).

Conditions:
NRP2-related disorder. Also called: NRP2-related condition.

Allele frequency attached by ClinVar (database versions not stated): gnomAD 0.00001; TOPMed 0.00001.
gnomAD v4.1: 27 of 1,614,126 alleles (0.0017%); highest among the groups gnomAD compares: Non-Finnish European, 0.0023%; no homozygotes.

Submission:

PreventionGenetics, part of Exact Sciences
Classification: Likely benign for NRP2-related condition. Last evaluated: 2023-11-09. Review status: no assertion criteria provided. Collection method: clinical testing. Allele origin: germline.
Comment: This variant is classified as likely benign based on ACMG/AMP sequence variant interpretation guidelines (Richards et al. 2015 PMID: 25741868, with internal and published modifications).